The following is an entry in ClinVar:

ClinVar aggregate classification (germline): Uncertain significance. Review status: criteria provided, multiple submitters, no conflicts (2 of 4 stars). 2 submissions from 2 submitters: Uncertain significance (2). Last evaluated 2025-10-02.

Conditions:
Hereditary pulmonary alveolar proteinosis. Also called: Pulmonary surfactant metabolism dysfunction. Identifiers: Orphanet 264675, MedGen C3711368, MONDO:0012580.
Interstitial lung disease due to ABCA3 deficiency. Also called: PULMONARY ALVEOLAR PROTEINOSIS, CONGENITAL, 3. Identifiers: Orphanet 440402, MedGen C1970456, MONDO:0012582, OMIM 610921.

Allele frequency attached by ClinVar (database versions not stated): ExAC 0.00001; gnomAD 0.00001; gnomAD exomes 0.00001; TOPMed 0.00002; ESP Exome Variant Server 0.00008.
gnomAD v4.1: 22 of 1,613,046 alleles (0.0014%); highest among the groups gnomAD compares: East Asian, 0.0022%; no homozygotes.

Submissions (2):

Ambry Genetics
Classification: Uncertain significance for Hereditary pulmonary alveolar proteinosis. Last evaluated: 2025-10-02. Review status: criteria provided, single submitter. Criteria: Ambry Variant Classification Scheme 2023. Collection method: clinical testing. Allele origin: germline.

Johns Hopkins Genomics, Johns Hopkins University
Classification: Uncertain significance for Interstitial lung disease due to ABCA3 deficiency. Last evaluated: 2024-09-10. Review status: criteria provided, single submitter. Criteria: ACMG Guidelines, 2015. Collection method: clinical testing. Allele origin: germline.
Comment: This ABCA3 variant (rs372603761) is rare (<0.1%) in a large population dataset (gnomAD v4.1.0: 22/1613046 total alleles, 0.0014%, no homozygotes) and has been reported in ClinVar (Variation ID 1735864). The variant has not been reported in the literature in individuals with ABCA3-related disease, to our knowledge. Two bioinformatic tools queried predict that this substitution would be tolerated, and the alanine residue at this position is evolutionarily conserved across many of the species assessed. In addition to recessively inherited disease (MIM# 610921), per our review and consultation with a clinical expert, ABCA3 variants may also contribute to lung disease in the heterozygous state, as single ABCA3 variants have been shown to be over-represented in term infants with neonatal respiratory distress in the absence of classic ABCA3 deficiency. Conclusive evidence of this latter association is however lacking at this time. We consider c.3889G>A in ABCA3 to be a variant of uncertain clinical significance at this time.

Literature cited by the submitters: PubMed 23166334 (cited by Johns Hopkins Genomics, Johns Hopkins University); PubMed 33708521 (cited by Johns Hopkins Genomics, Johns Hopkins University).

NM_001089.3(ABCA3):c.3889G>A (p.Ala1297Thr)

Gene: ABCA3 (ATP binding cassette subfamily A member 3; minus strand). Cytogenetic location: 16p13.3.
Variant type: single nucleotide variant.
Coding change: c.3889G>A on transcript NM_001089.3 (MANE Select); coding-DNA position 3889, G replaced by A.
Protein change: p.Ala1297Thr; replaces alanine 1297 with threonine.
Molecular consequence: missense variant.
Genome position (GRCh38, 1-based): chr16:2,283,332, C>T on the plus strand (G>A on the coding strand, the complement: ABCA3 is on the minus strand). VCF-style: chr16-2283332-C-T. GRCh37 (hg19) VCF-style: chr16-2333333-C-T.
Other names: short protein forms A1297T.
Identifiers: ClinVar variation 1735864 (VCV001735864.4), dbSNP rs372603761, ClinGen allele CA7840331.
Genomic context (GRCh38, chr16:2,283,332, plus strand): 5'-AGGCGCACCCTGAGGCGGCCATGGAGGCCACAAACCGGCCGACCCCCGGGGCGCTCCAGG[C>T]ATAGAAGTTCTCCTGGTACTGGATGTCTGTGGGGCGAGGGAGTCACTGTGCCCCGAGGCC-3'
Protein context (NP_001080.2, residues 1287-1307): YNIQYQENFY[Ala1297Thr]WSAPGVGRFV